The following is an entry in ClinVar:

ClinVar aggregate classification (germline): Uncertain significance. Review status: criteria provided, multiple submitters, no conflicts (2 of 4 stars). 2 submissions from 2 submitters: Uncertain significance (2). Last evaluated 2025-10-07.

gnomAD v4.1: 8 of 1,551,792 alleles (0.00052%); highest among the groups gnomAD compares: Admixed American, 0.012%; no homozygotes.

Submissions (2):

Ambry Genetics
Classification: Uncertain significance. Last evaluated: 2025-10-07. Review status: criteria provided, single submitter. Criteria: Ambry Variant Classification Scheme 2023. Collection method: clinical testing. Allele origin: germline.

Labcorp Genetics (formerly Invitae), Labcorp
Classification: Uncertain significance. Last evaluated: 2025-05-14. Review status: criteria provided, single submitter. Criteria: Invitae Variant Classification Sherloc (09022015). Collection method: clinical testing. Allele origin: germline.
Comment: This sequence change replaces proline, which is neutral and non-polar, with leucine, which is neutral and non-polar, at codon 500 of the TNS2 protein (p.Pro500Leu). This variant is present in population databases (rs770746910, gnomAD 0.01%). This variant has not been reported in the literature in individuals affected with TNS2-related conditions. An algorithm developed to predict the effect of missense changes on protein structure and function (PolyPhen-2) suggests that this variant is likely to be tolerated. In summary, the available evidence is currently insufficient to determine the role of this variant in disease. Therefore, it has been classified as a Variant of Uncertain Significance.

NM_170754.4(TNS2):c.1469C>T (p.Pro490Leu)

Gene: TNS2 (tensin 2; plus strand). Cytogenetic location: 12q13.13.
Variant type: single nucleotide variant.
Coding change: c.1469C>T on transcript NM_170754.4 (MANE Select); coding-DNA position 1469, C replaced by T.
Protein change: p.Pro490Leu; replaces proline 490 with leucine.
Molecular consequence: missense variant.
Genome position (GRCh38, 1-based): chr12:53,059,110, C>T. VCF-style: chr12-53059110-C-T. GRCh37 (hg19) VCF-style: chr12-53452894-C-T.
Other names: c.1469C>T, p.Pro490Leu (NM_001416202.1); c.1427C>T, p.Pro476Leu (NM_001416203.1); c.1496C>T, p.Pro499Leu (NM_001416204.1); c.1400C>T, p.Pro467Leu (NM_015319.3); c.1097C>T, p.Pro366Leu (NM_198316.2); short protein forms P467L, P490L, P499L, P366L, P476L.
Identifiers: ClinVar variation 4597862 (VCV004597862.2).